The following is an entry in ClinVar:

ClinVar aggregate classification (germline): Likely benign (1 of 4 stars; one submission).

Conditions:
GUSB-related disorder. Also called: GUSB-related condition.

Submission:

PreventionGenetics, part of Exact Sciences
Classification: Likely benign for GUSB-related condition. Last evaluated: 2025-09-10. Review status: criteria provided, single submitter. Criteria: ACMG Guidelines, 2015. Collection method: clinical testing. Allele origin: germline.
Comment: This variant is classified as likely benign based on ACMG/AMP sequence variant interpretation guidelines (Richards et al. 2015 PMID: 25741868, with internal and published modifications).

NM_000181.4(GUSB):c.1391+614A>C

Gene: GUSB (glucuronidase beta; minus strand). Cytogenetic location: 7q11.21.
Variant type: single nucleotide variant.
Coding change: c.1391+614A>C on transcript NM_000181.4 (MANE Select); 614 bases into the intron after coding-DNA position 1391, A replaced by C.
Molecular consequence: intron variant.
Genome position (GRCh38, 1-based): chr7:65,973,681, T>G on the plus strand (A>C on the coding strand, the complement: GUSB is on the minus strand). VCF-style: chr7-65973681-T-G. GRCh37 (hg19) VCF-style: chr7-65438668-T-G.
Other names: c.734+614A>C (NM_001293105.2); c.821+614A>C (NM_001293104.2); c.953+614A>C (NM_001284290.2).
Identifiers: ClinVar variation 4981229 (VCV004981229.1).